The following is an entry in ClinVar:

NM_004758.4(TSPOAP1):c.1432G>A (p.Glu478Lys)

Gene: TSPOAP1 (TSPO associated protein 1; minus strand). Cytogenetic location: 17q22.
Variant type: single nucleotide variant.
Coding change: c.1432G>A on transcript NM_004758.4 (MANE Select); coding-DNA position 1432, G replaced by A.
Protein change: p.Glu478Lys; replaces glutamic acid 478 with lysine.
Molecular consequence: missense variant.
Genome position (GRCh38, 1-based): chr17:58,320,572, C>T on the plus strand (G>A on the coding strand, the complement: TSPOAP1 is on the minus strand). VCF-style: chr17-58320572-C-T. GRCh37 (hg19) VCF-style: chr17-56397933-C-T.
Other names: c.1432G>A, p.Glu478Lys (NM_001261835.2); c.1252G>A, p.Glu418Lys (NM_024418.3); short protein forms E418K, E478K.
Identifiers: ClinVar variation 4852710 (VCV004852710.2).

ClinVar aggregate classification (germline): Uncertain significance (1 of 4 stars; one submission).

Submission:

Dasa
Classification: Uncertain significance. Last evaluated: 2025-05-17. Review status: criteria provided, single submitter. Criteria: DASA Assertion Criteria. Collection method: clinical testing. Allele origin: germline.
Comment: NM_004758.4(TSPOAP1):c.1432G>A (p.Glu478Lys) is a missense variant that results in the substitution of glutamic acid with lysine. This variant is rare in population databases. Computational prediction algorithms are consistent with a benign effect. The currently available literature and clinical evidence are not sufficient to establish a definitive association between this variant and the reported condition. Therefore, this variant is classified as a variant of uncertain significance.